The following is an entry in ClinVar:

ClinVar aggregate classification (germline): Uncertain significance (1 of 4 stars; one submission).

Conditions:
Ehlers-Danlos syndrome, kyphoscoliotic type, 2. Also called: FKBP14-Kyphoscoliotic Ehlers-Danlos Syndrome; Ehlers-Danlos syndrome with progressive kyphoscoliosis, myopathy, and hearing loss; Ehlers-Danlos syndrome, kyphoscoliotic and deafness type. Identifiers: Orphanet 300179, MedGen C3281160, MONDO:0013800, OMIM 614557.

Submission:

Labcorp Genetics (formerly Invitae), Labcorp
Classification: Uncertain significance for Ehlers-Danlos syndrome, kyphoscoliotic type, 2. Last evaluated: 2021-02-16. Review status: criteria provided, single submitter. Criteria: Invitae Variant Classification Sherloc (09022015). Collection method: clinical testing. Allele origin: germline.
Comment: This sequence change affects an acceptor splice site in intron 3 of the FKBP14 gene. While this variant is not anticipated to result in nonsense mediated decay, it likely alters RNA splicing and results in a disrupted protein product. In summary, the available evidence is currently insufficient to determine the role of this variant in disease. Therefore, it has been classified as a Variant of Uncertain Significance. Nucleotide substitutions within the consensus splice site are a relatively common cause of aberrant splicing (PMID: 17576681, 9536098). Algorithms developed to predict the effect of sequence changes on RNA splicing suggest that this variant may disrupt the consensus splice site, but this prediction has not been confirmed by published transcriptional studies. This variant has not been reported in the literature in individuals with FKBP14-related conditions. This variant is not present in population databases (ExAC no frequency).

Literature cited by the submitters: PubMed 17576681; PubMed 9536098.

NM_017946.4(FKBP14):c.478-1G>A

Genes: FKBP14 (FKBP prolyl isomerase 14; minus strand), FKBP14-AS1 (FKBP14 antisense RNA 1; plus strand). Cytogenetic location: 7p14.3.
Variant type: single nucleotide variant.
Coding change: c.478-1G>A on transcript NM_017946.4 (MANE Select); the canonical splice acceptor site of the intron before coding-DNA position 478, G replaced by A.
Molecular consequence: splice acceptor variant.
Genome position (GRCh38, 1-based): chr7:30,014,894, C>T on the plus strand (G>A on the coding strand, the complement: FKBP14 is on the minus strand). VCF-style: chr7-30014894-C-T. GRCh37 (hg19) VCF-style: chr7-30054510-C-T.
Identifiers: ClinVar variation 1496201 (VCV001496201.8), dbSNP rs2127946672, ClinGen allele CA367116495.
Genomic context (GRCh38, chr7:30,014,894, plus strand): 5'-ATGACTTTCATTCACCACCGCACCATGTTTTTCAAACTCCTTCTTTAAATATGCTTTAAC[C>T]TACAAAATAACAGATCCCATTAATAACTTGGATTCATAAGATACCCACATTGAGCCAATC-3'